The following is an entry in ClinVar:

ClinVar aggregate classification (germline): Likely benign (1 of 4 stars; one submission).

Submission:

GeneDx
Classification: Likely benign. Last evaluated: 2018-05-25. Review status: criteria provided, single submitter. Criteria: GeneDx Variant Classification (06012015). Collection method: clinical testing. Allele origin: germline. Affected: yes.
Comment: This variant is considered likely benign or benign based on one or more of the following criteria: it is a conservative change, it occurs at a poorly conserved position in the protein, it is predicted to be benign by multiple in silico algorithms, and/or has population frequency not consistent with disease.

NM_001079855.2(GYG2):c.-129+10del

Gene: GYG2 (glycogenin 2; plus strand). Cytogenetic location: Xp22.33.
Variant type: Deletion.
Coding change: c.-129+10del on transcript NM_001079855.2 (MANE Select); 10 bases into the intron after 129 bases upstream of the start codon, one base deleted (G; older notation c.-129+10delG).
Molecular consequence: intron variant.
Genome position (GRCh38, 1-based): chrX:2,828,985, G deleted; the last of 6 consecutive G bases (chrX:2,828,980-2,828,985); deleting any one gives the same sequence. VCF-style (leftmost placement, unchanged base first): chrX-2828979-CG-C. GRCh37 (hg19) VCF-style: chrX-2747020-CG-C.
Other names: c.-129+10del (NM_003918.3, NM_001184703.2, NM_001184702.2); c.-452+10del (NM_001184704.2).
Identifiers: ClinVar variation 668549 (VCV000668549.1), dbSNP rs1186293712, ClinGen allele CA874376691.
Genomic context (GRCh38, chrX:2,828,979, plus strand): 5'-CTGCCCTCGGGGCCTCCAGCGCCGGCTCTGGGCCGAGGCAGCCAGAGCGCGGAAGAGGTG[CG>C]GGGGGCTGTAGGGGGCTGCAGGGGACCGTGGGCAGTGGAGGAGGCCTGGGCGCGGCGGGG-3'